The following is an entry in ClinVar:

NM_004211.5(SLC6A5):c.1395+3G>C

Gene: SLC6A5 (solute carrier family 6 member 5; plus strand). Cytogenetic location: 11p15.1.
Variant type: single nucleotide variant.
Coding change: c.1395+3G>C on transcript NM_004211.5 (MANE Select); 3 bases into the intron after coding-DNA position 1395, G replaced by C.
Molecular consequence: intron variant.
Genome position (GRCh38, 1-based): chr11:20,626,845, G>C. VCF-style: chr11-20626845-G-C. GRCh37 (hg19) VCF-style: chr11-20648391-G-C.
Other names: c.693+3G>C (NM_001318369.2).
Identifiers: ClinVar variation 1309230 (VCV001309230.2), dbSNP rs2133798671, ClinGen allele CA2573053473.

ClinVar aggregate classification (germline): Uncertain significance (1 of 4 stars; one submission).

Submission:

GeneDx
Classification: Uncertain significance. Last evaluated: 2019-10-25. Review status: criteria provided, single submitter. Criteria: GeneDx Variant Classification Process June 2021. Collection method: clinical testing. Allele origin: germline. Affected: yes.
Comment: Not observed in large population cohorts (Lek et al., 2016); In silico analysis, which includes splice predictors and evolutionary conservation, supports a deleterious effect; Has not been previously published as pathogenic or benign to our knowledge